The following is an entry in ClinVar:

ClinVar aggregate classification (germline): Uncertain significance. Review status: criteria provided, multiple submitters, no conflicts (2 of 4 stars). 2 submissions from 2 submitters: Uncertain significance (2). Last evaluated 2025-08-07.

Conditions:
Inborn genetic diseases. Identifiers: MedGen C0950123, MeSH D030342.

gnomAD v4.1: 1 of 1,613,998 alleles (0.000062%); highest among the groups gnomAD compares: Non-Finnish European, 0.000085%; no homozygotes.

Submissions (2):

Ambry Genetics
Classification: Uncertain significance for Inborn genetic diseases. Last evaluated: 2025-08-07. Review status: criteria provided, single submitter. Criteria: Ambry Variant Classification Scheme 2023. Collection method: clinical testing. Allele origin: germline.

Labcorp Genetics (formerly Invitae), Labcorp
Classification: Uncertain significance. Last evaluated: 2024-10-16. Review status: criteria provided, single submitter. Criteria: Invitae Variant Classification Sherloc (09022015). Collection method: clinical testing. Allele origin: germline.
Comment: This sequence change replaces serine, which is neutral and polar, with phenylalanine, which is neutral and non-polar, at codon 888 of the SETBP1 protein (p.Ser888Phe). This variant is not present in population databases (gnomAD no frequency). This variant has not been reported in the literature in individuals affected with SETBP1-related conditions. Invitae Evidence Modeling of protein sequence and biophysical properties (such as structural, functional, and spatial information, amino acid conservation, physicochemical variation, residue mobility, and thermodynamic stability) has been performed for this missense variant. However, the output from this modeling did not meet the statistical confidence thresholds required to predict the impact of this variant on SETBP1 protein function. In summary, the available evidence is currently insufficient to determine the role of this variant in disease. Therefore, it has been classified as a Variant of Uncertain Significance.

NM_015559.3(SETBP1):c.2663C>T (p.Ser888Phe)

Gene: SETBP1 (SET binding protein 1; plus strand). Cytogenetic location: 18q12.3.
Variant type: single nucleotide variant.
Coding change: c.2663C>T on transcript NM_015559.3 (MANE Select); coding-DNA position 2663, C replaced by T.
Protein change: p.Ser888Phe; replaces serine 888 with phenylalanine.
Molecular consequence: missense variant.
Genome position (GRCh38, 1-based): chr18:44,952,003, C>T. VCF-style: chr18-44952003-C-T. GRCh37 (hg19) VCF-style: chr18-42531968-C-T.
Other names: c.2663C>T (NM_015559.2); c.2663C>T, p.Ser888Phe (NM_001379141.1, NM_001379142.1, NM_001410862.1); short protein forms S888F.
Identifiers: ClinVar variation 3704189 (VCV003704189.3).